The following is an entry in ClinVar:

ClinVar aggregate classification (germline): Pathogenic. Review status: criteria provided, multiple submitters, no conflicts (2 of 4 stars). 2 submissions from 2 submitters: Pathogenic (2). Last evaluated 2024-03-18.

Conditions:
Inborn genetic diseases. Identifiers: MedGen C0950123, MeSH D030342.
Alternating hemiplegia of childhood 1 (AHC1). Identifiers: Orphanet 2131, MedGen C3549447, MONDO:0007087, OMIM 104290.

Submissions (2):

Women's Health and Genetics/Laboratory Corporation of America, LabCorp
Classification: Pathogenic for Alternating hemiplegia of childhood 1. Last evaluated: 2024-03-18. Review status: criteria provided, single submitter. Criteria: LabCorp Variant Classification Summary - May 2015. Collection method: clinical testing. Allele origin: germline.
Comment: Variant summary: ATP1A2 c.879C>G (p.Ile293Met) results in a conservative amino acid change in the encoded protein sequence. Three of five in-silico tools predict a damaging effect of the variant on protein function. The variant was absent in 251472 control chromosomes. c.879C>G has been reported as a de novo variant in the literature in multiple individuals affected with Alternating Hemiplegia Of Childhood 1 (e.g., Ueda_2018, Moya-Mendez_2021, Vetro_2021, LabCorp). These data indicate that the variant is likely to be associated with disease. At least one publication reports experimental evidence evaluating an impact on protein function; studies of COS-1 cells transfected with the variant demonstrate the NKA pump activity is markedly reduced (17% of wild-type) (Vetro_2021). The following publications have been ascertained in the context of this evaluation (PMID: 33493807, 29610157, 33880529). ClinVar contains an entry for this variant (Variation ID: 520908). Based on the evidence outlined above, the variant was classified as pathogenic.

Ambry Genetics
Classification: Pathogenic for Inborn genetic diseases. Last evaluated: 2015-12-08. Review status: criteria provided, single submitter. Criteria: Ambry exome assertion method (8-5-2015). Collection method: clinical testing. Allele origin: germline. Affected: yes. Observed: 1 variant allele.

Literature cited by the submitters: PubMed 33493807 (cited by Women's Health and Genetics/Laboratory Corporation of America, LabCorp); PubMed 29610157 (cited by Women's Health and Genetics/Laboratory Corporation of America, LabCorp); PubMed 33880529 (cited by Women's Health and Genetics/Laboratory Corporation of America, LabCorp).

NM_000702.4(ATP1A2):c.879C>G (p.Ile293Met)

Gene: ATP1A2 (ATPase Na+/K+ transporting subunit alpha 2; plus strand). Cytogenetic location: 1q23.2.
Variant type: single nucleotide variant.
Coding change: c.879C>G on transcript NM_000702.4 (MANE Select); coding-DNA position 879, C replaced by G.
Protein change: p.Ile293Met; replaces isoleucine 293 with methionine.
Molecular consequence: missense variant.
Genome position (GRCh38, 1-based): chr1:160,127,682, C>G. VCF-style: chr1-160127682-C-G. GRCh37 (hg19) VCF-style: chr1-160097472-C-G.
Other names: short protein forms I293M.
Identifiers: ClinVar variation 520908 (VCV000520908.6), dbSNP rs1553244746, ClinGen allele CA343237918.
Genomic context (GRCh38, chr1:160,127,682, plus strand): 5'-AGGCCTGGAGGTTGGGCGGACACCCATAGCAATGGAGATTGAACACTTCATCCAGCTGAT[C>G]ACAGGGGTCGCTGTATTCCTGGGGGTCTCCTTCTTCGTGCTCTCCCTCATCCTGGGCTAC-3'
Protein context (NP_000693.1, residues 283-303): AMEIEHFIQL[Ile293Met]TGVAVFLGVS